The following is an entry in ClinVar:

ClinVar aggregate classification (germline): Uncertain significance (1 of 4 stars; one submission).

Conditions:
Congenital myasthenic syndrome 12 (CMS12). Also called: MYASTHENIC SYNDROME, CONGENITAL, WITH TUBULAR AGGREGATES 1; Myasthenia, congenital, 12, with tubular aggregates. Identifiers: Orphanet 353327, Orphanet 590, MedGen C3552335, MONDO:0012518, OMIM 610542.

Submission:

Kariminejad - Najmabadi Pathology & Genetics Center
Classification: Uncertain significance for Congenital myasthenic syndrome 12. Last evaluated: 2018-02-26. Review status: criteria provided, single submitter. Criteria: ACMG Guidelines, 2015. Collection method: clinical testing. Allele origin: germline. Inheritance: Autosomal recessive inheritance. Affected: yes.
Comment: PM2,PP2

NM_001244710.2(GFPT1):c.1003A>T (p.Met335Leu)

Gene: GFPT1 (glutamine--fructose-6-phosphate transaminase 1; minus strand). Cytogenetic location: 2p13.3.
Variant type: single nucleotide variant.
Coding change: c.1003A>T on transcript NM_001244710.2 (MANE Select); coding-DNA position 1003, A replaced by T.
Protein change: p.Met335Leu; replaces methionine 335 with leucine.
Molecular consequence: missense variant.
Genome position (GRCh38, 1-based): chr2:69,348,177, T>A on the plus strand (A>T on the coding strand, the complement: GFPT1 is on the minus strand). VCF-style: chr2-69348177-T-A. GRCh37 (hg19) VCF-style: chr2-69575309-T-A.
Other names: c.949A>T, p.Met317Leu (NM_002056.4); short protein forms M317L, M335L.
Identifiers: ClinVar variation 3896875 (VCV003896875.1).